The following is an entry in ClinVar:

NM_001103.4(ACTN2):c.834G>C (p.Glu278Asp)

Gene: ACTN2 (actinin alpha 2; plus strand). Cytogenetic location: 1q43.
Variant type: single nucleotide variant.
Coding change: c.834G>C on transcript NM_001103.4 (MANE Select); coding-DNA position 834, G replaced by C.
Protein change: p.Glu278Asp; replaces glutamic acid 278 with aspartic acid.
Molecular consequence: missense variant. On other transcripts: non-coding transcript variant (1).
Genome position (GRCh38, 1-based): chr1:236,737,172, G>C. VCF-style: chr1-236737172-G-C. GRCh37 (hg19) VCF-style: chr1-236900472-G-C.
Other names: c.834G>C, p.Glu278Asp (NM_001278343.2); c.210G>C, p.Glu70Asp (NM_001278344.2); c.84G>C, p.Glu28Asp (NM_001412150.1); short protein forms E278D, E28D, E70D.
Identifiers: ClinVar variation 3232707 (VCV003232707.1), dbSNP rs1658904821, ClinGen allele CA345378930.

ClinVar aggregate classification (germline): Uncertain significance (1 of 4 stars; one submission).

Conditions:
Cardiovascular phenotype. Identifiers: MedGen CN230736.

Submission:

Ambry Genetics
Classification: Uncertain significance for Cardiovascular phenotype. Last evaluated: 2023-12-29. Review status: criteria provided, single submitter. Criteria: Ambry Variant Classification Scheme 2023. Collection method: clinical testing. Allele origin: germline.
Comment: The p.E278D variant (also known as c.834G>C), located in coding exon 9 of the ACTN2 gene, results from a G to C substitution at nucleotide position 834. The glutamic acid at codon 278 is replaced by aspartic acid, an amino acid with highly similar properties. This amino acid position is conserved. In addition, the in silico prediction for this alteration is inconclusive. Since supporting evidence is limited at this time, the clinical significance of this alteration remains unclear.